The following is an entry in ClinVar:

NM_001079520.2(DACT1):c.*4A>T

Gene: DACT1 (dishevelled binding antagonist of beta catenin 1; plus strand). Cytogenetic location: 14q23.1.
Variant type: single nucleotide variant.
Coding change: c.*4A>T on transcript NM_001079520.2 (MANE Select); 4 bases downstream of the stop codon, A replaced by T.
Molecular consequence: 3 prime UTR variant. On other transcripts: non-coding transcript variant (5).
Genome position (GRCh38, 1-based): chr14:58,647,138, A>T. VCF-style: chr14-58647138-A-T. GRCh37 (hg19) VCF-style: chr14-59113856-A-T.
Other names: c.*4A>T (NM_016651.6).
Identifiers: ClinVar variation 4535658 (VCV004535658.1).

ClinVar aggregate classification (germline): Uncertain significance (1 of 4 stars; one submission).

gnomAD v4.1: 4 of 1,609,606 alleles (0.00025%); no homozygotes.

Submission:

Women's Health and Genetics/Laboratory Corporation of America, LabCorp
Classification: Uncertain significance. Last evaluated: 2025-09-09. Review status: criteria provided, single submitter. Criteria: LabCorp Variant Classification Summary - May 2015. Collection method: clinical testing. Allele origin: germline.
Comment: Variant summary: DACT1 c.*4A>T is located in the untranslated mRNA region downstream of the termination codon. The variant was absent in 250122 control chromosomes. The available data on variant occurrences in the general population are insufficient to allow any conclusion about variant significance. To our knowledge, no occurrence of c.*4A>T in individuals affected with DACT1-related conditions and no experimental evidence demonstrating its impact on protein function have been reported. No submitters have cited clinical-significance assessments for this variant to ClinVar. Based on the evidence outlined above, the variant was classified as uncertain significance.